The following is an entry in ClinVar:

ClinVar aggregate classification (germline): Likely benign (0 of 4 stars; one submission).

Conditions:
ALMS1-related disorder. Also called: ALMS1-related condition.

gnomAD v4.1: 1 of 1,614,062 alleles (0.000062%); no homozygotes.

Submission:

PreventionGenetics, part of Exact Sciences
Classification: Likely benign for ALMS1-related condition. Last evaluated: 2023-10-31. Review status: no assertion criteria provided. Collection method: clinical testing. Allele origin: germline.
Comment: This variant is classified as likely benign based on ACMG/AMP sequence variant interpretation guidelines (Richards et al. 2015 PMID: 25741868, with internal and published modifications).

NM_001378454.1(ALMS1):c.10257A>G (p.Gly3419=)

Gene: ALMS1 (ALMS1 centrosome and basal body associated protein; plus strand). Cytogenetic location: 2p13.1.
Variant type: single nucleotide variant.
Coding change: c.10257A>G on transcript NM_001378454.1 (MANE Select); coding-DNA position 10257, A replaced by G.
Protein change: p.Gly3419=; no amino-acid change (glycine 3419 retained).
Molecular consequence: synonymous variant.
Genome position (GRCh38, 1-based): chr2:73,559,015, A>G. VCF-style: chr2-73559015-A-G. GRCh37 (hg19) VCF-style: chr2-73786142-A-G.
Other names: c.10260A>G, p.Gly3420= (NM_015120.4).
Identifiers: ClinVar variation 3350223 (VCV003350223.1).